The following is an entry in ClinVar:

NM_001267550.2(TTN):c.98158G>A (p.Gly32720Ser)

Genes: TTN (titin; minus strand), TTN-AS1 (TTN antisense RNA 1; plus strand). Cytogenetic location: 2q31.2.
Variant type: single nucleotide variant.
Coding change: c.98158G>A on transcript NM_001267550.2 (MANE Select); coding-DNA position 98158, G replaced by A.
Protein change: p.Gly32720Ser; replaces glycine 32720 with serine.
Molecular consequence: missense variant.
Genome position (GRCh38, 1-based): chr2:178,539,907, C>T on the plus strand (G>A on the coding strand, the complement: TTN is on the minus strand). VCF-style: chr2-178539907-C-T. GRCh37 (hg19) VCF-style: chr2-179404634-C-T.
Other names: c.90454G>A, p.Gly30152Ser (NM_133378.4); c.93235G>A, p.Gly31079Ser (NM_001256850.1); c.70963G>A, p.Gly23655Ser (NM_003319.4); c.71338G>A, p.Gly23780Ser (NM_133432.3); c.71539G>A, p.Gly23847Ser (NM_133437.4); short protein forms G30152S, G32720S, G23847S, G23655S, G23780S, G31079S.
Identifiers: ClinVar variation 179292 (VCV000179292.5), dbSNP rs727504768, ClinGen allele CA184136.

ClinVar aggregate classification (germline): Uncertain significance (1 of 4 stars; one submission).

Submission:

Laboratory for Molecular Medicine, Mass General Brigham Personalized Medicine
Classification: Uncertain significance. Last evaluated: 2013-11-12. Review status: criteria provided, single submitter. Criteria: LMM Criteria. Collection method: clinical testing. Allele origin: germline. Observed: 1 variant allele.
Comment: The Gly30152Ser variant in TTN has not been previously reported in individuals w ith cardiomyopathy or in large population studies. Computational analyses are li mited or unavailable for this variant. Additional information is needed to fully assess the clinical significance of the Gly30152Ser variant.